The following is an entry in ClinVar:

NM_000632.4(ITGAM):c.805G>T (p.Glu269Ter)

Genes: ITGAM (integrin subunit alpha M; plus strand), LOC126862332 (BRD4-independent group 4 enhancer GRCh37_chr16:31284654-31285853; plus strand). Cytogenetic location: 16p11.2.
Variant type: single nucleotide variant.
Coding change: c.805G>T on transcript NM_000632.4 (MANE Select); coding-DNA position 805, G replaced by T.
Protein change: p.Glu269Ter; replaces glutamic acid 269 with a stop codon.
Molecular consequence: nonsense.
Genome position (GRCh38, 1-based): chr16:31,273,465, G>T. VCF-style: chr16-31273465-G-T. GRCh37 (hg19) VCF-style: chr16-31284786-G-T.
Other names: c.805G>T, p.Glu269Ter (NM_001145808.2); short protein forms E269*.
Identifiers: ClinVar variation 2705666 (VCV002705666.3), dbSNP rs927472766, ClinGen allele CA395694853.

ClinVar aggregate classification (germline): Uncertain significance (1 of 4 stars; one submission).

gnomAD v4.1: 2 of 1,613,884 alleles (0.00012%); highest among the groups gnomAD compares: Non-Finnish European, 0.00017%; no homozygotes.

Submission:

Labcorp Genetics (formerly Invitae), Labcorp
Classification: Uncertain significance. Last evaluated: 2024-01-04. Review status: criteria provided, single submitter. Criteria: Invitae Variant Classification Sherloc (09022015). Collection method: clinical testing. Allele origin: germline.
Comment: This sequence change creates a premature translational stop signal (p.Glu269*) in the ITGAM gene. It is expected to result in an absent or disrupted protein product. However, the current clinical and genetic evidence is not sufficient to establish whether loss-of-function variants in ITGAM cause disease. This variant is not present in population databases (gnomAD no frequency). This variant has not been reported in the literature in individuals affected with ITGAM-related conditions. In summary, the available evidence is currently insufficient to determine the role of this variant in disease. Therefore, it has been classified as a Variant of Uncertain Significance.